The following is an entry in ClinVar:

NM_006739.4(MCM5):c.1715C>T (p.Pro572Leu)

Gene: MCM5 (minichromosome maintenance complex component 5; plus strand). Cytogenetic location: 22q12.3.
Variant type: single nucleotide variant.
Coding change: c.1715C>T on transcript NM_006739.4 (MANE Select); coding-DNA position 1715, C replaced by T.
Protein change: p.Pro572Leu; replaces proline 572 with leucine.
Molecular consequence: missense variant.
Genome position (GRCh38, 1-based): chr22:35,419,895, C>T. VCF-style: chr22-35419895-C-T. GRCh37 (hg19) VCF-style: chr22-35815888-C-T.
Other names: short protein forms P572L.
Identifiers: ClinVar variation 2852836 (VCV002852836.3), dbSNP rs2517906303, ClinGen allele CA411349304.
Genomic context (GRCh38, chr22:35,419,895, plus strand): 5'-CTAAGAGTCCCTCCTGGCCTCACACCAGCCTCTCCCCACTGTCCTGCAGGAAGTGTGGCC[C>T]CCGGCTGTCAGCAGAGGCTGCAGAGAAACTGAAGAACCGCTACATCATCATGCGGAGCGG-3'
Protein context (NP_006730.2, residues 562-582): FIAYCRVKCG[Pro572Leu]RLSAEAAEKL

ClinVar aggregate classification (germline): Uncertain significance (1 of 4 stars; one submission).

Submission:

Labcorp Genetics (formerly Invitae), Labcorp
Classification: Uncertain significance. Last evaluated: 2025-08-18. Review status: criteria provided, single submitter. Criteria: Invitae Variant Classification Sherloc (09022015). Collection method: clinical testing. Allele origin: germline.
Comment: This sequence change replaces proline, which is neutral and non-polar, with leucine, which is neutral and non-polar, at codon 572 of the MCM5 protein (p.Pro572Leu). This variant is not present in population databases (gnomAD no frequency). This variant has not been reported in the literature in individuals affected with MCM5-related conditions. ClinVar contains an entry for this variant (Variation ID: 2852836). Invitae Evidence Modeling of protein sequence and biophysical properties (such as structural, functional, and spatial information, amino acid conservation, physicochemical variation, residue mobility, and thermodynamic stability) indicates that this missense variant is expected to disrupt MCM5 protein function with a positive predictive value of 80%. In summary, the available evidence is currently insufficient to determine the role of this variant in disease. Therefore, it has been classified as a Variant of Uncertain Significance.